The following is an entry in ClinVar:

NM_152443.3(RDH12):c.281T>C (p.Val94Ala)

Genes: GPHN (gephyrin; plus strand), RDH12 (retinol dehydrogenase 12; plus strand). Cytogenetic location: 14q24.1.
Variant type: single nucleotide variant.
Coding change: c.281T>C on transcript NM_152443.3 (MANE Select); coding-DNA position 281, T replaced by C.
Protein change: p.Val94Ala; replaces valine 94 with alanine.
Molecular consequence: missense variant.
Genome position (GRCh38, 1-based): chr14:67,725,192, T>C. VCF-style: chr14-67725192-T-C. GRCh37 (hg19) VCF-style: chr14-68191909-T-C.
Other names: short protein forms V94A.
Identifiers: ClinVar variation 1525407 (VCV001525407.6), dbSNP rs764990788, ClinGen allele CA7238659.

ClinVar aggregate classification (germline): Uncertain significance (1 of 4 stars; one submission).

Conditions:
Leber congenital amaurosis 13 (LCA13). Identifiers: MedGen C2675186, MONDO:0012990, OMIM 612712.

Allele frequency attached by ClinVar (database versions not stated): ExAC 0.00001; gnomAD 0.00001; gnomAD exomes 0.00001 and 0.00002; TOPMed 0.00001.
gnomAD v4.1: 10 of 1,613,972 alleles (0.00062%); highest among the groups gnomAD compares: East Asian, 0.0022%; no homozygotes.

Submission:

Labcorp Genetics (formerly Invitae), Labcorp
Classification: Uncertain significance for Leber congenital amaurosis 13. Last evaluated: 2025-05-01. Review status: criteria provided, single submitter. Criteria: Invitae Variant Classification Sherloc (09022015). Collection method: clinical testing. Allele origin: germline.
Comment: This sequence change replaces valine, which is neutral and non-polar, with alanine, which is neutral and non-polar, at codon 94 of the RDH12 protein (p.Val94Ala). This variant is present in population databases (rs764990788, gnomAD 0.002%). This variant has not been reported in the literature in individuals affected with RDH12-related conditions. ClinVar contains an entry for this variant (Variation ID: 1525407). Invitae Evidence Modeling of protein sequence and biophysical properties (such as structural, functional, and spatial information, amino acid conservation, physicochemical variation, residue mobility, and thermodynamic stability) indicates that this missense variant is not expected to disrupt RDH12 protein function with a negative predictive value of 80%. In summary, the available evidence is currently insufficient to determine the role of this variant in disease. Therefore, it has been classified as a Variant of Uncertain Significance.